The following is an entry in ClinVar:

NM_000535.7(PMS2):c.1193A>G (p.Glu398Gly)

Gene: PMS2 (PMS1 homolog 2, mismatch repair system component; minus strand). Cytogenetic location: 7p22.1.
Variant type: single nucleotide variant.
Coding change: c.1193A>G on transcript NM_000535.7 (MANE Select); coding-DNA position 1193, A replaced by G.
Protein change: p.Glu398Gly; replaces glutamic acid 398 with glycine.
Molecular consequence: missense variant. On other transcripts: non-coding transcript variant (1), intron variant (1).
Genome position (GRCh38, 1-based): chr7:5,987,572, T>C on the plus strand (A>G on the coding strand, the complement: PMS2 is on the minus strand). VCF-style: chr7-5987572-T-C. GRCh37 (hg19) VCF-style: chr7-6027203-T-C.
Other names: c.788A>G, p.Glu263Gly (NM_001018040.1, NM_001322003.2, NM_001322004.2 and 17 more transcripts); c.1037A>G, p.Glu346Gly (NM_001322006.2, NM_001406870.1); c.875A>G, p.Glu292Gly (NM_001322007.2, NM_001322008.2, NM_001406876.1 and 2 more transcripts); c.632A>G, p.Glu211Gly (NM_001322010.2, NM_001406906.1, NM_001406907.1); c.260A>G, p.Glu87Gly (NM_001322011.2, NM_001322012.2); c.620A>G, p.Glu207Gly (NM_001322013.2, NM_001406909.1); c.1193A>G, p.Glu398Gly (NM_001322014.2, NM_001406871.1, NM_001406872.1); c.884A>G, p.Glu295Gly (NM_001322015.2, NM_001406875.1, NM_001406877.1 and 5 more transcripts); and 13 more; short protein forms E141G, E207G, E211G, E227G, E240G, E243G, E263G, E276G.
Identifiers: ClinVar variation 3075498 (VCV003075498.1), dbSNP rs2535836889, ClinGen allele CA366742598.
Genomic context (GRCh38, chr7:5,987,572, plus strand): 5'-GAAATGGACACGTCTTTTTTTTCTTCTCCAGTCCTTAATGAAGGGGATTGATCCTGCTTT[T>C]CTACCATGGGCTTTTCCAAATCCGCTGCATGCATTTTTATTAAGTTACCTAAGCAAACGT-3'
Protein context (NP_000526.2, residues 388-408): HAADLEKPMV[Glu398Gly]KQDQSPSLRT

ClinVar aggregate classification (germline): Uncertain significance (1 of 4 stars; one submission).

Conditions:
Lynch syndrome. Identifiers: Orphanet 144, MedGen C4552100, MONDO:0005835. Disease mechanism: loss of function.

Submission:

All of Us Research Program, National Institutes of Health
Classification: Uncertain significance for Lynch syndrome. Last evaluated: 2024-02-05. Review status: criteria provided, single submitter. Criteria: ACMG Guidelines, 2015. Collection method: clinical testing. Allele origin: germline. Inheritance: Autosomal dominant inheritance. Observed: 1 variant allele, 1 heterozygote.
Comment: This missense variant replaces glutamic acid with glycine at codon 398 of the PMS2 protein. Computational prediction suggests that this variant may not impact protein structure and function (internally defined REVEL score threshold <= 0.5, PMID: 27666373). To our knowledge, functional studies have not been reported for this variant. This variant has not been reported in individuals affected with PMS2-related disorders in the literature. This variant has not been identified in the general population by the Genome Aggregation Database (gnomAD). The available evidence is insufficient to determine the role of this variant in disease conclusively. Therefore, this variant is classified as a Variant of Uncertain Significance.

This study involves interpretation of variants in research participants for the purpose of population health screening. Participant phenotype was not available at the time of variant classification. Additional details can be found in publication PMID: 35346344, PMCID: PMC8962531